The following is an entry in ClinVar:

ClinVar aggregate classification (germline): Uncertain significance (1 of 4 stars; one submission).

Conditions:
Autosomal recessive mendelian susceptibility to mycobacterial diseases due to complete RORgamma receptor deficiency. Also called: Immunodeficiency 42. Identifiers: Orphanet 477857, MedGen C5567647, MONDO:0014710, OMIM 616622.

Allele frequency attached by ClinVar (database versions not stated): gnomAD exomes 0.00001.
gnomAD v4.1: 8 of 1,614,236 alleles (0.0005%); highest among the groups gnomAD compares: Non-Finnish European, 0.00068%; no homozygotes.

Submission:

Labcorp Genetics (formerly Invitae), Labcorp
Classification: Uncertain significance for Autosomal recessive mendelian susceptibility to mycobacterial diseases due to complete RORgamma receptor deficiency. Last evaluated: 2022-02-10. Review status: criteria provided, single submitter. Criteria: Invitae Variant Classification Sherloc (09022015). Collection method: clinical testing. Allele origin: germline.
Comment: In summary, the available evidence is currently insufficient to determine the role of this variant in disease. Therefore, it has been classified as a Variant of Uncertain Significance. Algorithms developed to predict the effect of missense changes on protein structure and function (SIFT, PolyPhen-2, Align-GVGD) all suggest that this variant is likely to be tolerated. This variant has not been reported in the literature in individuals affected with RORC-related conditions. This variant is not present in population databases (gnomAD no frequency). This sequence change replaces glutamic acid, which is acidic and polar, with lysine, which is basic and polar, at codon 212 of the RORC protein (p.Glu212Lys).

NM_005060.4(RORC):c.634G>A (p.Glu212Lys)

Gene: RORC (RAR related orphan receptor C; minus strand). Cytogenetic location: 1q21.3.
Variant type: single nucleotide variant.
Coding change: c.634G>A on transcript NM_005060.4 (MANE Select); coding-DNA position 634, G replaced by A.
Protein change: p.Glu212Lys; replaces glutamic acid 212 with lysine.
Molecular consequence: missense variant.
Genome position (GRCh38, 1-based): chr1:151,815,090, C>T on the plus strand (G>A on the coding strand, the complement: RORC is on the minus strand). VCF-style: chr1-151815090-C-T. GRCh37 (hg19) VCF-style: chr1-151787566-C-T.
Other names: c.571G>A, p.Glu191Lys (NM_001001523.2); short protein forms E191K, E212K.
Identifiers: ClinVar variation 1360763 (VCV001360763.8), dbSNP rs2101658846, ClinGen allele CA342016333.